The following is an entry in ClinVar:

NM_033305.3(VPS13A):c.9077G>C (p.Arg3026Thr)

Gene: VPS13A (vacuolar protein sorting 13 homolog A; plus strand). Cytogenetic location: 9q21.2.
Variant type: single nucleotide variant.
Coding change: c.9077G>C on transcript NM_033305.3 (MANE Select); coding-DNA position 9077, G replaced by C.
Protein change: p.Arg3026Thr; replaces arginine 3026 with threonine.
Molecular consequence: missense variant.
Genome position (GRCh38, 1-based): chr9:77,371,149, G>C. VCF-style: chr9-77371149-G-C. GRCh37 (hg19) VCF-style: chr9-79986065-G-C.
Other names: c.8960G>C, p.Arg2987Thr (NM_001018037.2); c.9077G>C, p.Arg3026Thr (NM_001018038.3, NM_015186.4); short protein forms R2987T, R3026T.
Identifiers: ClinVar variation 3772060 (VCV003772060.13).
Genomic context (GRCh38, chr9:77,371,149, plus strand): 5'-TAGCAAGGCCAACTGGAGGCATCATAGACATGGCTAGCAGTACATTTCAGGGAATAAAAA[G>C]GTAAATCCTCTTTGGTGTAAGATATGAGTTAAAATGCTGAAGCCATGAGAAATGGAATTT-3'
Protein context (NP_150648.2, residues 3016-3036): MASSTFQGIK[Arg3026Thr]ATETSEVESL

ClinVar aggregate classification (germline): Uncertain significance (1 of 4 stars; one submission).

Submission:

CeGaT Center for Human Genetics Tuebingen
Classification: Uncertain significance. Last evaluated: 2024-12-01. Review status: criteria provided, single submitter. Criteria: CeGaT Center For Human Genetics Tuebingen Variant Classification Criteria Version 2. Collection method: clinical testing. Allele origin: germline. Affected: yes. Observed: 1 variant allele.
Comment: VPS13A: PM2, PP3